The following is an entry in ClinVar:

ClinVar aggregate classification (germline): Benign (1 of 4 stars; one submission).

Conditions:
Platelet-type bleeding disorder 9 (BDPLT9). Also called: GLYCOPROTEIN Ia DEFICIENCY; GP Ia DEFICIENCY; COLLAGEN PLATELET RECEPTOR DEFICIENCY. Identifiers: Orphanet 73271, Orphanet 98886, MedGen C3280114, MONDO:0013622, OMIM 614200.

Allele frequency attached by ClinVar (database versions not stated): 1000 Genomes Project 30x 0.00671; 1000 Genomes Project 0.00679; gnomAD 0.00779 and 0.00855; TOPMed 0.00858.

Submission:

Illumina Laboratory Services, Illumina
Classification: Benign for Platelet-type bleeding disorder 9. Last evaluated: 2018-01-13. Review status: criteria provided, single submitter. Criteria: ICSL Variant Classification Criteria 13 December 2019. Collection method: clinical testing. Allele origin: germline.
Comment: This variant was observed in the ICSL laboratory as part of a predisposition screen in an ostensibly healthy population. It had not been previously curated by ICSL or reported in the Human Gene Mutation Database (HGMD: prior to June 1st, 2018), and was therefore a candidate for classification through an automated scoring system. Utilizing variant allele frequency, disease prevalence and penetrance estimates, and inheritance mode, an automated score was calculated to assess if this variant is too frequent to cause the disease. Based on the score and internal cut-off values, a variant classified as benign is not then subjected to further curation. The score for this variant resulted in a classification of benign for this disease.

NM_002203.4(ITGA2):c.*2151A>G

Gene: ITGA2 (integrin subunit alpha 2; plus strand). Cytogenetic location: 5q11.2.
Variant type: single nucleotide variant.
Coding change: c.*2151A>G on transcript NM_002203.4 (MANE Select); 2151 bases downstream of the stop codon, A replaced by G.
Molecular consequence: 3 prime UTR variant. On other transcripts: non-coding transcript variant (5).
Genome position (GRCh38, 1-based): chr5:53,092,750, A>G. VCF-style: chr5-53092750-A-G. GRCh37 (hg19) VCF-style: chr5-52388580-A-G.
Identifiers: ClinVar variation 353818 (VCV000353818.5), dbSNP rs76840527, ClinGen allele CA10624694.